The following is an entry in ClinVar:

ClinVar aggregate classification (germline): Pathogenic. Review status: criteria provided, multiple submitters, no conflicts (2 of 4 stars). 5 submissions from 5 submitters: Pathogenic (4). 1 of the submissions does not count toward it. Last evaluated 2024-04-16.

Conditions:
Testosterone 17-beta-dehydrogenase deficiency. Also called: 17 alpha ketosteroid reductase deficiency of testis; 17 alpha KSR deficiency; Neutral 17 beta hydroxysteroid oxidoreductase deficiency; Male pseudoherma-phroditism with gynecomastia; 46,XY disorder of sex development due to 17-beta-hydroxysteroid dehydrogenase 3 deficiency; Pseudohermaphroditism male with gynecomastia. Identifiers: Orphanet 752, MedGen C0268296, MONDO:0009916, OMIM 264300. Disease mechanism: loss of function.

Allele frequency attached by ClinVar (database versions not stated): gnomAD exomes below 0.00001; gnomAD 0.00001; TOPMed 0.00001.
gnomAD v4.1: 3 of 1,614,020 alleles (0.00019%); highest among the groups gnomAD compares: Non-Finnish European, 0.00025%; no homozygotes.

Submissions (5):

Fulgent Genetics
Classification: Pathogenic for Testosterone 17-beta-dehydrogenase deficiency. Last evaluated: 2024-04-16. Review status: criteria provided, single submitter. Criteria: ACMG Guidelines, 2015. Collection method: clinical testing. Allele origin: germline.

Clinical Biochemistry Laboratory, Health Services Laboratory
Classification: Pathogenic for Testosterone 17-beta-dehydrogenase deficiency. Last evaluated: 2023-11-20. Review status: criteria provided, single submitter. Criteria: ACMG Guidelines, 2015. Collection method: clinical testing. Allele origin: germline. Affected: yes.
Comment: ACMG:PVS1 PM2 PP4

Labcorp Genetics (formerly Invitae), Labcorp
Classification: Pathogenic. Last evaluated: 2023-06-09. Review status: criteria provided, single submitter. Criteria: Invitae Variant Classification Sherloc (09022015). Collection method: clinical testing. Allele origin: germline.
Comment: For these reasons, this variant has been classified as Pathogenic. Algorithms developed to predict the effect of sequence changes on RNA splicing suggest that this variant may disrupt the consensus splice site. ClinVar contains an entry for this variant (Variation ID: 4878). Disruption of this splice site has been observed in individual(s) with 17-β-Hydrogenase type 3 deficiency (PMID: 8075637, 28739554). In at least one individual the data is consistent with being in trans (on the opposite chromosome) from a pathogenic variant. This variant is not present in population databases (gnomAD no frequency). This sequence change affects an acceptor splice site in intron 8 of the HSD17B3 gene. It is expected to disrupt RNA splicing. Variants that disrupt the donor or acceptor splice site typically lead to a loss of protein function (PMID: 16199547), and loss-of-function variants in HSD17B3 are known to be pathogenic (PMID: 23796702, 25740850).

Institute of Medical Genetics and Applied Genomics, University Hospital Tübingen
Classification: Pathogenic. Last evaluated: 2020-10-23. Review status: criteria provided, single submitter. Criteria: ACMG Guidelines, 2015. Collection method: clinical testing. Allele origin: germline. Inheritance: Autosomal recessive inheritance. Affected: yes.

OMIM
Classification: Pathogenic for 17-BETA HYDROXYSTEROID DEHYDROGENASE III DEFICIENCY. Last evaluated: 1998-02-01. Review status: no assertion criteria provided. Collection method: literature only. Allele origin: germline. Not counted in ClinVar's aggregate classification.

Literature cited by the submitters: PubMed 8075637 (cited by Labcorp Genetics (formerly Invitae), Labcorp and OMIM); PubMed 28739554 (cited by Labcorp Genetics (formerly Invitae), Labcorp); PubMed 16199547 (cited by Labcorp Genetics (formerly Invitae), Labcorp); PubMed 23796702 (cited by Labcorp Genetics (formerly Invitae), Labcorp); PubMed 25740850 (cited by Labcorp Genetics (formerly Invitae), Labcorp); PubMed 598011 (cited by OMIM); PubMed 9467575 (cited by OMIM).

NM_000197.2(HSD17B3):c.607-1G>A

Genes: SLC35D2-HSD17B3 (SLC35D2-HSD17B3 readthrough; minus strand), HSD17B3 (hydroxysteroid 17-beta dehydrogenase 3; minus strand). Cytogenetic location: 9q22.32.
Variant type: single nucleotide variant.
Coding change: c.607-1G>A on transcript NM_000197.2 (MANE Select); the canonical splice acceptor site of the intron before coding-DNA position 607, G replaced by A.
Molecular consequence: splice acceptor variant.
Genome position (GRCh38, 1-based): chr9:96,244,395, C>T on the plus strand (G>A on the coding strand, the complement: HSD17B3 is on the minus strand). VCF-style: chr9-96244395-C-T. GRCh37 (hg19) VCF-style: chr9-99006677-C-T.
Other names: IVS8AS, G-A, -1.
Identifiers: ClinVar variation 4878 (VCV000004878.7), dbSNP rs730880305, ClinGen allele CA212821.
Genomic context (GRCh38, chr9:96,244,395, plus strand): 5'-GATGACTTCTTTTGCTTTATATTCCTCTTGCAGGGCCTTGGAAAATGCGCACACAAACGC[C>T]TGGAGCAAGAAGGAGAGACACCTGAGGCCCCAGAGTGAGCTCCCTCGTCAGAGCCAACTT-3'